The following is an entry in ClinVar:

NM_002334.4(LRP4):c.4613G>A (p.Arg1538Gln)

Genes: LRP4 (LDL receptor related protein 4; minus strand), LRP4-AS1 (LRP4 antisense RNA 1; plus strand). Cytogenetic location: 11p11.2.
Variant type: single nucleotide variant.
Coding change: c.4613G>A on transcript NM_002334.4 (MANE Select); coding-DNA position 4613, G replaced by A.
Protein change: p.Arg1538Gln; replaces arginine 1538 with glutamine.
Molecular consequence: missense variant.
Genome position (GRCh38, 1-based): chr11:46,871,604, C>T on the plus strand (G>A on the coding strand, the complement: LRP4 is on the minus strand). VCF-style: chr11-46871604-C-T. GRCh37 (hg19) VCF-style: chr11-46893155-C-T.
Other names: short protein forms R1538Q.
Identifiers: ClinVar variation 304857 (VCV000304857.43), dbSNP rs140495790, ClinGen allele CA5969276.

ClinVar aggregate classification (germline): Benign. Review status: criteria provided, multiple submitters, no conflicts (2 of 4 stars). 4 submissions from 4 submitters: Benign (3). 1 of the submissions does not count toward it. Last evaluated 2025-10-24.

Conditions:
LRP4-related disorder. Also called: LRP4-related condition.
Sclerosteosis 2 (SOST2). Identifiers: Orphanet 3152, MedGen C3280402, MONDO:0013679, OMIM 614305.
Cenani-Lenz syndactyly syndrome. Also called: SYNDACTYLY, TYPE VII; CENANI SYNDACTYLISM. Identifiers: Orphanet 3258, MedGen C1859309, MONDO:0008931, OMIM 212780.
Congenital myasthenic syndrome 17. Identifiers: Orphanet 590, MedGen C4225377, MONDO:0014578, OMIM 616304.

Allele frequency attached by ClinVar (database versions not stated): gnomAD 0.00010 and 0.00051; ESP Exome Variant Server 0.00015; TOPMed 0.00015; gnomAD exomes 0.00084 and 0.00183; 1000 Genomes Project 0.00220; ExAC 0.00230; 1000 Genomes Project 30x 0.00250.
gnomAD v4.1: 1,322 of 1,612,658 alleles (0.082%); highest among the groups gnomAD compares: South Asian, 1.3%; 14 homozygotes.

Submissions (4):

Labcorp Genetics (formerly Invitae), Labcorp
Classification: Benign for Cenani-Lenz syndactyly syndrome; Sclerosteosis 2; Congenital myasthenic syndrome 17. Last evaluated: 2025-10-24. Review status: criteria provided, single submitter. Criteria: Invitae Variant Classification Sherloc (09022015). Collection method: clinical testing. Allele origin: germline.

CeGaT Center for Human Genetics Tuebingen
Classification: Benign. Last evaluated: 2022-12-01. Review status: criteria provided, single submitter. Criteria: CeGaT Center For Human Genetics Tuebingen Variant Classification Criteria Version 2. Collection method: clinical testing. Allele origin: germline. Affected: yes. Observed: 1 variant allele.
Comment: LRP4: BS1, BS2

Genetic Services Laboratory, University of Chicago
Classification: Benign. Last evaluated: 2017-09-12. Review status: criteria provided, single submitter. Criteria: ACMG Guidelines, 2015. Collection method: clinical testing. Allele origin: germline. Affected: no.

PreventionGenetics, part of Exact Sciences
Classification: Benign for LRP4-related condition. Last evaluated: 2022-07-05. Review status: no assertion criteria provided. Collection method: clinical testing. Allele origin: germline. Not counted in ClinVar's aggregate classification.
Comment: This variant is classified as benign based on ACMG/AMP sequence variant interpretation guidelines (Richards et al. 2015 PMID: 25741868, with internal and published modifications).